The following is an entry in ClinVar:

ClinVar aggregate classification (germline): Uncertain significance. Review status: criteria provided, multiple submitters, no conflicts (2 of 4 stars). 2 submissions from 2 submitters: Uncertain significance (2). Last evaluated 2022-06-02.

Conditions:
ALG9 congenital disorder of glycosylation (CDG1L). Also called: CONGENITAL DISORDER OF GLYCOSYLATION, TYPE Il; CDG Il; ALG9-CDG. Identifiers: Orphanet 79328, MedGen C2931006, MONDO:0012117, OMIM 608776.
Inborn genetic diseases. Identifiers: MedGen C0950123, MeSH D030342.

Allele frequency attached by ClinVar (database versions not stated): gnomAD exomes 0.00002; gnomAD 0.00003 and 0.00004; TOPMed 0.00004.
gnomAD v4.1: 33 of 1,614,096 alleles (0.002%); highest among the groups gnomAD compares: Admixed American, 0.012%; no homozygotes.

Submissions (2):

Labcorp Genetics (formerly Invitae), Labcorp
Classification: Uncertain significance for ALG9 congenital disorder of glycosylation. Last evaluated: 2022-06-02. Review status: criteria provided, single submitter. Criteria: Invitae Variant Classification Sherloc (09022015). Collection method: clinical testing. Allele origin: germline.
Comment: This sequence change replaces arginine, which is basic and polar, with histidine, which is basic and polar, at codon 678 of the ATP6V0A2 protein (p.Arg678His). This variant is present in population databases (rs761913726, gnomAD 0.01%). This variant has not been reported in the literature in individuals affected with ATP6V0A2-related conditions. ClinVar contains an entry for this variant (Variation ID: 1486958). Algorithms developed to predict the effect of missense changes on protein structure and function (SIFT, PolyPhen-2, Align-GVGD) all suggest that this variant is likely to be tolerated. In summary, the available evidence is currently insufficient to determine the role of this variant in disease. Therefore, it has been classified as a Variant of Uncertain Significance.

Ambry Genetics
Classification: Uncertain significance for Inborn genetic diseases. Last evaluated: 2021-08-02. Review status: criteria provided, single submitter. Criteria: Ambry Variant Classification Scheme 2023. Collection method: clinical testing. Allele origin: germline.

NM_012463.4(ATP6V0A2):c.2033G>A (p.Arg678His)

Gene: ATP6V0A2 (ATPase H+ transporting V0 subunit a2; plus strand). Cytogenetic location: 12q24.31.
Variant type: single nucleotide variant.
Coding change: c.2033G>A on transcript NM_012463.4 (MANE Select); coding-DNA position 2033, G replaced by A.
Protein change: p.Arg678His; replaces arginine 678 with histidine.
Molecular consequence: missense variant.
Genome position (GRCh38, 1-based): chr12:123,751,207, G>A. VCF-style: chr12-123751207-G-A. GRCh37 (hg19) VCF-style: chr12-124235754-G-A.
Other names: c.2033G>A (NM_012463.3); short protein forms R678H.
Identifiers: ClinVar variation 1486958 (VCV001486958.6), dbSNP rs761913726, ClinGen allele CA6862097.